The following is an entry in ClinVar:

ClinVar aggregate classification (germline): Uncertain significance (1 of 4 stars; one submission).

Conditions:
Encephalopathy, acute, infection-induced (herpes-specific), susceptibility to, 1. Also called: Herpes simplex encephalitis, susceptibility to, 1. Identifiers: Orphanet 1930, MedGen C2750180, MONDO:0024563, OMIM 610551.

Submission:

Labcorp Genetics (formerly Invitae), Labcorp
Classification: Uncertain significance for Encephalopathy, acute, infection-induced (herpes-specific), susceptibility to, 1. Last evaluated: 2022-09-23. Review status: criteria provided, single submitter. Criteria: Invitae Variant Classification Sherloc (09022015). Collection method: clinical testing. Allele origin: germline.
Comment: This variant is not present in population databases (gnomAD no frequency). This variant has not been reported in the literature in individuals affected with TLR3-related conditions. In summary, the available evidence is currently insufficient to determine the role of this variant in disease. Therefore, it has been classified as a Variant of Uncertain Significance. This sequence change creates a premature translational stop signal (p.Leu5Alafs*26) in the TLR3 gene. It is expected to result in an absent or disrupted protein product. However, the current clinical and genetic evidence is not sufficient to establish whether loss-of-function variants in TLR3 cause disease.

NM_003265.3(TLR3):c.13_14del (p.Leu5fs)

Gene: TLR3 (toll like receptor 3; plus strand). Cytogenetic location: 4q35.1.
Variant type: Deletion.
Coding change: c.13_14del on transcript NM_003265.3 (MANE Select); coding-DNA positions 13 to 14, 2 bases deleted (TT; older notation c.13_14delTT).
Protein change: p.Leu5fs; shifts the reading frame from leucine 5.
Molecular consequence: frameshift variant.
Genome position (GRCh38, 1-based): chr4:186,076,632-186,076,633, TT deleted; deleting any 2 consecutive bases within chr4:186,076,631-186,076,633 gives the same sequence; the c. name uses the placement nearest the transcript's 3' end. VCF-style (leftmost placement, unchanged base first): chr4-186076630-CTT-C. GRCh37 (hg19) VCF-style: chr4-186997784-CTT-C.
Other names: short protein forms L5fs.
Identifiers: ClinVar variation 1973336 (VCV001973336.5), dbSNP rs1426283613, ClinGen allele CA792325154.